The following is an entry in ClinVar:

ClinVar aggregate classification (germline): Uncertain significance (1 of 4 stars; one submission).

Submission:

CeGaT Center for Human Genetics Tuebingen
Classification: Uncertain significance. Last evaluated: 2022-09-01. Review status: criteria provided, single submitter. Criteria: CeGaT Center For Human Genetics Tuebingen Variant Classification Criteria Version 2. Collection method: clinical testing. Allele origin: germline. Affected: yes. Observed: 1 variant allele.
Comment: TTN: PM2, BP4

NM_001267550.2(TTN):c.48937A>C (p.Lys16313Gln)

Genes: TTN (titin; minus strand), TTN-AS1 (TTN antisense RNA 1; plus strand), LOC126806426 (BRD4-independent group 4 enhancer GRCh37_chr2:179478848-179480047; plus strand). Cytogenetic location: 2q31.2.
Variant type: single nucleotide variant.
Coding change: c.48937A>C on transcript NM_001267550.2 (MANE Select); coding-DNA position 48937, A replaced by C.
Protein change: p.Lys16313Gln; replaces lysine 16313 with glutamine.
Molecular consequence: missense variant. On other transcripts: non-coding transcript variant (1).
Genome position (GRCh38, 1-based): chr2:178,614,577, T>G on the plus strand (A>C on the coding strand, the complement: TTN is on the minus strand). VCF-style: chr2-178614577-T-G. GRCh37 (hg19) VCF-style: chr2-179479304-T-G.
Other names: c.44014A>C, p.Lys14672Gln (NM_001256850.1); c.21742A>C, p.Lys7248Gln (NM_003319.4); c.41233A>C, p.Lys13745Gln (NM_133378.4); c.22117A>C, p.Lys7373Gln (NM_133432.3); c.22318A>C, p.Lys7440Gln (NM_133437.4); short protein forms K13745Q, K14672Q, K16313Q, K7248Q, K7373Q, K7440Q.
Identifiers: ClinVar variation 2651638 (VCV002651638.24), dbSNP rs2470676592, ClinGen allele CA349607357.